The following is an entry in ClinVar:

ClinVar aggregate classification (germline): Uncertain significance (1 of 4 stars; one submission).

Submission:

Labcorp Genetics (formerly Invitae), Labcorp
Classification: Uncertain significance. Last evaluated: 2022-02-08. Review status: criteria provided, single submitter. Criteria: Invitae Variant Classification Sherloc (09022015). Collection method: clinical testing. Allele origin: germline.
Comment: This sequence change replaces valine, which is neutral and non-polar, with methionine, which is neutral and non-polar, at codon 246 of the PHYH protein (p.Val246Met). This variant is not present in population databases (gnomAD no frequency). This variant has not been reported in the literature in individuals affected with PHYH-related conditions. Algorithms developed to predict the effect of missense changes on protein structure and function are either unavailable or do not agree on the potential impact of this missense change (SIFT: "Deleterious"; PolyPhen-2: "Possibly Damaging"; Align-GVGD: "Class C0"). In summary, the available evidence is currently insufficient to determine the role of this variant in disease. Therefore, it has been classified as a Variant of Uncertain Significance.

NM_006214.4(PHYH):c.736G>A (p.Val246Met)

Gene: PHYH (phytanoyl-CoA 2-hydroxylase; minus strand). Cytogenetic location: 10p13.
Variant type: single nucleotide variant.
Coding change: c.736G>A on transcript NM_006214.4 (MANE Select); coding-DNA position 736, G replaced by A.
Protein change: p.Val246Met; replaces valine 246 with methionine.
Molecular consequence: missense variant.
Genome position (GRCh38, 1-based): chr10:13,283,782, C>T on the plus strand (G>A on the coding strand, the complement: PHYH is on the minus strand). VCF-style: chr10-13283782-C-T. GRCh37 (hg19) VCF-style: chr10-13325782-C-T.
Other names: c.442G>A, p.Val148Met (NM_001323084.2); c.436G>A, p.Val146Met (NM_001037537.2, NM_001323080.2); c.742G>A, p.Val248Met (NM_001323082.2); c.472G>A, p.Val158Met (NM_001323083.2); short protein forms V246M, V146M, V148M, V158M, V248M.
Identifiers: ClinVar variation 1435200 (VCV001435200.8), dbSNP rs1835476065, ClinGen allele CA376034280.